The following is an entry in ClinVar:

NM_014679.5(CEP57):c.504+4A>G

Gene: CEP57 (centrosomal protein 57; plus strand). Cytogenetic location: 11q21.
Variant type: single nucleotide variant.
Coding change: c.504+4A>G on transcript NM_014679.5 (MANE Select); 4 bases into the intron after coding-DNA position 504, A replaced by G.
Molecular consequence: intron variant.
Genome position (GRCh38, 1-based): chr11:95,813,593, A>G. VCF-style: chr11-95813593-A-G. GRCh37 (hg19) VCF-style: chr11-95546757-A-G.
Other names: c.423+4A>G (NM_001363604.2); c.477+4A>G (NM_001243776.2); c.504+4A>G (NM_001243777.2).
Identifiers: ClinVar variation 2858071 (VCV002858071.3), dbSNP rs1018987176, ClinGen allele CA226629270.
Genomic context (GRCh38, chr11:95,813,593, plus strand): 5'-ATGCGAAATATGATAAAGCATGCCGAAATGGAGAGGACATCTGTCTTAGAGAAACAAGTA[A>G]GTAAAGCACCTCACAGATTGATACTCAAGAACAGTTATGGGGAAAACTAATTGAATAAAG-3'

ClinVar aggregate classification (germline): Uncertain significance (1 of 4 stars; one submission).

Conditions:
Mosaic variegated aneuploidy syndrome 2 (MVA2). Identifiers: Orphanet 1052, MedGen C3279843, MONDO:0013582, OMIM 614114.

Allele frequency attached by ClinVar (database versions not stated): gnomAD 0.00001; TOPMed 0.00002.
gnomAD v4.1: 2 of 1,612,480 alleles (0.00012%); highest among the groups gnomAD compares: African/African-American, 0.0027%; no homozygotes.

Submission:

Labcorp Genetics (formerly Invitae), Labcorp
Classification: Uncertain significance for Mosaic variegated aneuploidy syndrome 2. Last evaluated: 2023-07-26. Review status: criteria provided, single submitter. Criteria: Invitae Variant Classification Sherloc (09022015). Collection method: clinical testing. Allele origin: germline.
Comment: This variant has not been reported in the literature in individuals affected with CEP57-related conditions. Variants that disrupt the consensus splice site are a relatively common cause of aberrant splicing (PMID: 17576681, 9536098). Algorithms developed to predict the effect of sequence changes on RNA splicing suggest that this variant may create or strengthen a splice site. In summary, the available evidence is currently insufficient to determine the role of this variant in disease. Therefore, it has been classified as a Variant of Uncertain Significance. This sequence change falls in intron 4 of the CEP57 gene. It does not directly change the encoded amino acid sequence of the CEP57 protein. It affects a nucleotide within the consensus splice site. This variant is present in population databases (no rsID available, gnomAD 0.01%).

Literature cited by the submitters: PubMed 17576681; PubMed 9536098.